The following is an entry in ClinVar:

NM_002354.3(EPCAM):c.607dup (p.Thr203fs)

Gene: EPCAM (epithelial cell adhesion molecule; plus strand). Cytogenetic location: 2p21.
Variant type: Duplication.
Coding change: c.607dup on transcript NM_002354.3 (MANE Select); coding-DNA position 607, one base duplicated (A; older notation c.607dupA).
Protein change: p.Thr203fs; shifts the reading frame from threonine 203.
Molecular consequence: frameshift variant.
Genome position (GRCh38, 1-based): chr2:47,379,004, A duplicated; the last of 6 consecutive A bases (chr2:47,378,999-47,379,004); duplicating any one gives the same sequence. VCF-style (leftmost placement, unchanged base first): chr2-47378998-C-CA. GRCh37 (hg19) VCF-style: chr2-47606137-C-CA.
Other names: short protein forms T203fs.
Identifiers: ClinVar variation 3775404 (VCV003775404.1).

ClinVar aggregate classification (germline): Pathogenic (1 of 4 stars; one submission).

Conditions:
Congenital diarrhea 5 with tufting enteropathy. Also called: INTESTINAL EPITHELIAL CELL DYSPLASIA; Congenital tufting enteropathy. Identifiers: Orphanet 92050, MedGen C2750737, MONDO:0013184, OMIM 613217.

Submission:

3billion
Classification: Pathogenic for Congenital diarrhea 5 with tufting enteropathy. Last evaluated: 2023-12-12. Review status: criteria provided, single submitter. Criteria: ACMG Guidelines, 2015. Collection method: clinical testing. Allele origin: germline. Affected: yes.
Comment: The variant is not observed in the gnomAD v2.1.1 dataset. Predicted Consequence/Location: Frameshift: predicted to result in a loss or disruption of normal protein function through nonsense-mediated decay (NMD) or protein truncation. Multiple pathogenic variants are reported downstream of the variant. Therefore, this variant is classified as Pathogenic according to the recommendation of ACMG/AMP guideline.